The following is an entry in ClinVar:

NM_005159.5(ACTC1):c.582C>G (p.Ile194Met)

Genes: ACTC1 (actin alpha cardiac muscle 1; minus strand), GJD2-DT (GJD2 divergent transcript; plus strand). Cytogenetic location: 15q14.
Variant type: single nucleotide variant.
Coding change: c.582C>G on transcript NM_005159.5 (MANE Select); coding-DNA position 582, C replaced by G.
Protein change: p.Ile194Met; replaces isoleucine 194 with methionine.
Molecular consequence: missense variant.
Genome position (GRCh38, 1-based): chr15:34,792,442, G>C on the plus strand (C>G on the coding strand, the complement: ACTC1 is on the minus strand). VCF-style: chr15-34792442-G-C. GRCh37 (hg19) VCF-style: chr15-35084643-G-C.
Other names: c.582C>G, p.Ile194Met (NM_001406482.1, NM_001406483.1); c.447C>G, p.Ile149Met (NM_001406484.1); c.141C>G, p.Ile47Met (NM_001406485.1); short protein forms I149M, I194M, I47M.
Identifiers: ClinVar variation 3224602 (VCV003224602.3), dbSNP rs2504180877, ClinGen allele CA391630916.

ClinVar aggregate classification (germline): Uncertain significance. Review status: criteria provided, multiple submitters, no conflicts (2 of 4 stars). 2 submissions from 2 submitters: Uncertain significance (2). Last evaluated 2024-12-17.

Conditions:
Cardiovascular phenotype. Identifiers: MedGen CN230736.
Atrial septal defect 5 (ASD5). Identifiers: Orphanet 1478, MedGen C2748552, MONDO:0013011, OMIM 612794.
Dilated cardiomyopathy 1R (CMD1R). Identifiers: Orphanet 154, Orphanet 54260, MedGen C3150681, MONDO:0013261, OMIM 613424.
Hypertrophic cardiomyopathy 11. Also called: ACTC1-Related Familial Hypertrophic Cardiomyopathy. Identifiers: MedGen C2677506, MONDO:0012799, OMIM 612098.

Submissions (2):

Labcorp Genetics (formerly Invitae), Labcorp
Classification: Uncertain significance for Dilated cardiomyopathy 1R; Hypertrophic cardiomyopathy 11; Atrial septal defect 5. Last evaluated: 2024-12-17. Review status: criteria provided, single submitter. Criteria: Invitae Variant Classification Sherloc (09022015). Collection method: clinical testing. Allele origin: germline.
Comment: This sequence change replaces isoleucine, which is neutral and non-polar, with methionine, which is neutral and non-polar, at codon 194 of the ACTC1 protein (p.Ile194Met). This variant is not present in population databases (gnomAD no frequency). This variant has not been reported in the literature in individuals affected with ACTC1-related conditions. ClinVar contains an entry for this variant (Variation ID: 3224602). Invitae Evidence Modeling of protein sequence and biophysical properties (such as structural, functional, and spatial information, amino acid conservation, physicochemical variation, residue mobility, and thermodynamic stability) indicates that this missense variant is not expected to disrupt ACTC1 protein function with a negative predictive value of 80%. This variant disrupts the p.Ile194 amino acid residue in ACTC1. Other variant(s) that disrupt this residue have been determined to be pathogenic (internal data). This suggests that this residue is clinically significant, and that variants that disrupt this residue are likely to be disease-causing. In summary, the available evidence is currently insufficient to determine the role of this variant in disease. Therefore, it has been classified as a Variant of Uncertain Significance.

Ambry Genetics
Classification: Uncertain significance for Cardiovascular phenotype. Last evaluated: 2023-01-10. Review status: criteria provided, single submitter. Criteria: Ambry Variant Classification Scheme 2023. Collection method: clinical testing. Allele origin: germline.
Comment: The p.I194M variant (also known as c.582C>G), located in coding exon 3 of the ACTC1 gene, results from a C to G substitution at nucleotide position 582. The isoleucine at codon 194 is replaced by methionine, an amino acid with highly similar properties. This alteration has been reported in a hypertrophic cardiomyopathy (HCM) cohort (Harper AR et al. Nat Genet, 2021 Feb;53:135-142). This amino acid position is highly conserved in available vertebrate species. In addition, this alteration is predicted to be deleterious by in silico analysis. Since supporting evidence is limited at this time, the clinical significance of this alteration remains unclear.

Literature cited by the submitters: PubMed 33495597 (cited by Ambry Genetics).